The following is an entry in ClinVar:

ClinVar aggregate classification (germline): Pathogenic/Likely pathogenic. Review status: criteria provided, multiple submitters, no conflicts (2 of 4 stars). 3 submissions from 3 submitters: Pathogenic (2); Likely pathogenic (1). Last evaluated 2025-08-29.

Conditions:
Hypophosphatasia. Also called: Phosphoethanol-aminuria. Identifiers: Orphanet 436, MedGen C0020630, MeSH D007014, MONDO:0018570.
Hypophosphataemia or rickets.

Submissions (3):

Genomenon, Inc
Classification: Pathogenic for Hypophosphatasia. Last evaluated: 2025-08-29. Review status: criteria provided, single submitter. Criteria: Genomenon Sequence Variant Interpretation Standards. Collection method: curation. Allele origin: germline. Affected: yes.
Comment: ALPL c.2T>C is a variant that disrupts the initiation codon leading to an altered or absent protein product. This variant has been observed in at least one proband affected with hypophosphatasia (PMID:33777089). It is absent or not present at a significant frequency in gnomAD. In conclusion, we classify ALPL p.Met1? (c.2T>C) as a pathogenic variant.

Cambridge Genomics Laboratory, East Genomic Laboratory Hub, NHS Genomic Medicine Service
Classification: Likely pathogenic for Hypophosphataemia or rickets. Last evaluated: 2024-03-05. Review status: criteria provided, single submitter. Criteria: ACGS Best Practice Guidelines for Variant Classification in Rare Disease 2020. Collection method: clinical testing. Allele origin: germline. Affected: yes.
Comment: The initiator codon variant NM_000478.6(ALPL):c.2T>C (p.Met1Thr) causes the same amino acid change as a previously established pathogenic variant. (PS1_Moderate - Moderate) | The p.Met1Thr variant is novel (not in any individuals) in gnomAD All. The p.Met1Thr variant is novel (not in any individuals) in 1kG All. The p.Met1Thr variant is novel (not in any individuals) in gnomAD Genomes v3 All. (PM2 - Moderate) | The p.Met1Thr variant is a loss of function variant in the gene ALPL, which is intolerant of Loss of Function variants, as indicated by the presence of existing pathogenic loss of function variant NP_000469.3:p.M1Gfs*19 and 42 others. (PVS1_Moderate - Moderate)

Labcorp Genetics (formerly Invitae), Labcorp
Classification: Pathogenic. Last evaluated: 2024-02-03. Review status: criteria provided, single submitter. Criteria: Invitae Variant Classification Sherloc (09022015). Collection method: clinical testing. Allele origin: germline.
Comment: This sequence change affects the initiator methionine of the ALPL mRNA. The next in-frame methionine is located at codon 56. This variant is not present in population databases (gnomAD no frequency). Disruption of the initiator codon has been observed in individual(s) with clinical features of hypophosphatasia (PMID: 21419245, 33777089). It has also been observed to segregate with disease in related individuals. This variant disrupts a region of the ALPL protein in which other variant(s) (p.Ala33Val) have been determined to be pathogenic (PMID: 1409720, 15694177, 17253930, 22397652, 25731960). This suggests that this is a clinically significant region of the protein, and that variants that disrupt it are likely to be disease-causing. For these reasons, this variant has been classified as Pathogenic.

Literature cited by the submitters: PubMed 33777089 (cited by Genomenon, Inc and Labcorp Genetics (formerly Invitae), Labcorp); PubMed 21419245 (cited by Labcorp Genetics (formerly Invitae), Labcorp); PubMed 1409720 (cited by Labcorp Genetics (formerly Invitae), Labcorp); PubMed 15694177 (cited by Labcorp Genetics (formerly Invitae), Labcorp); PubMed 17253930 (cited by Labcorp Genetics (formerly Invitae), Labcorp); PubMed 22397652 (cited by Labcorp Genetics (formerly Invitae), Labcorp); PubMed 25731960 (cited by Labcorp Genetics (formerly Invitae), Labcorp).

NM_000478.6(ALPL):c.2T>C (p.Met1Thr)

Gene: ALPL (alkaline phosphatase, biomineralization associated; plus strand). Cytogenetic location: 1p36.12.
Variant type: single nucleotide variant.
Coding change: c.2T>C on transcript NM_000478.6 (MANE Select); coding-DNA position 2, T replaced by C.
Protein change: p.Met1Thr; changes the start codon (methionine 1).
Molecular consequence: missense variant, initiator codon variant. On other transcripts: intron variant (2).
Genome position (GRCh38, 1-based): chr1:21,554,083, T>C. VCF-style: chr1-21554083-T-C. GRCh37 (hg19) VCF-style: chr1-21880576-T-C.
Other names: c.2T>C, p.Met1Thr (NM_001369803.2, NM_001369804.2, NM_001369805.2); c.-104-6543T>C (NM_001127501.4); c.-54-6543T>C (NM_001177520.3); short protein forms M1T.
Identifiers: ClinVar variation 3676992 (VCV003676992.4).